The following is an entry in ClinVar:

ClinVar aggregate classification (germline): Uncertain significance. Review status: criteria provided, single submitter (1 of 4 stars). 2 submissions from 2 submitters: Uncertain significance (1). 1 of the submissions does not count toward it. Last evaluated 2025-10-20.

Conditions:
RASopathy. Also called: rasopathies; Noonan spectrum disorder. Identifiers: Orphanet 536391, MedGen C5555857, MONDO:0021060.
SHOC2-related disorder. Also called: SHOC2-related condition.

Submissions (2):

Labcorp Genetics (formerly Invitae), Labcorp
Classification: Uncertain significance for RASopathy. Last evaluated: 2025-10-20. Review status: criteria provided, single submitter. Criteria: Invitae Variant Classification Sherloc (09022015). Collection method: clinical testing. Allele origin: germline.
Comment: This sequence change falls in intron 5 of the SHOC2 gene. It does not directly change the encoded amino acid sequence of the SHOC2 protein. It affects a nucleotide within the consensus splice site. This variant is not present in population databases (gnomAD no frequency). This variant has not been reported in the literature in individuals affected with SHOC2-related conditions. ClinVar contains an entry for this variant (Variation ID: 2027476). Variants that disrupt the consensus splice site are a relatively common cause of aberrant splicing (PMID: 17576681, 9536098). Algorithms developed to predict the effect of sequence changes on RNA splicing suggest that this variant is not likely to affect RNA splicing. In summary, the available evidence is currently insufficient to determine the role of this variant in disease. Therefore, it has been classified as a Variant of Uncertain Significance.

PreventionGenetics, part of Exact Sciences
Classification: Likely benign for SHOC2-related condition. Last evaluated: 2022-11-07. Review status: no assertion criteria provided. Collection method: clinical testing. Allele origin: germline. Not counted in ClinVar's aggregate classification.
Comment: This variant is classified as likely benign based on ACMG/AMP sequence variant interpretation guidelines (Richards et al. 2015 PMID: 25741868, with internal and published modifications).

Literature cited by the submitters: PubMed 17576681 (cited by Labcorp Genetics (formerly Invitae), Labcorp); PubMed 9536098 (cited by Labcorp Genetics (formerly Invitae), Labcorp).

NM_007373.4(SHOC2):c.1161+4A>G

Gene: SHOC2 (SHOC2 leucine rich repeat scaffold protein; plus strand). Cytogenetic location: 10q25.2.
Variant type: single nucleotide variant.
Coding change: c.1161+4A>G on transcript NM_007373.4 (MANE Select); 4 bases into the intron after coding-DNA position 1161, A replaced by G.
Molecular consequence: intron variant.
Genome position (GRCh38, 1-based): chr10:111,004,798, A>G. VCF-style: chr10-111004798-A-G. GRCh37 (hg19) VCF-style: chr10-112764556-A-G.
Other names: c.1161+4A>G (NM_001324336.2, NM_001324337.2, NM_007373.3); c.1023+4A>G (NM_001269039.3).
Identifiers: ClinVar variation 2027476 (VCV002027476.6), dbSNP rs2493945916, ClinGen allele CA2580082353.
Genomic context (GRCh38, chr10:111,004,798, plus strand): 5'-AAAATTCCATTTGGAATTTTCTCCAGAGCAAAAGTATTAAGTAAGCTGAATATGAAGGTA[A>G]GCATATATTTGTTTACTAGGGAAAGGAATTGCTTTAATTGGTACTTCCACTAATATTTAT-3'